The following is an entry in ClinVar:

NM_001205293.3(CACNA1E):c.1748C>A (p.Thr583Asn)

Gene: CACNA1E (calcium voltage-gated channel subunit alpha1 E; plus strand). Cytogenetic location: 1q25.3.
Variant type: single nucleotide variant.
Coding change: c.1748C>A on transcript NM_001205293.3 (MANE Select); coding-DNA position 1748, C replaced by A.
Protein change: p.Thr583Asn; replaces threonine 583 with asparagine.
Molecular consequence: missense variant.
Genome position (GRCh38, 1-based): chr1:181,719,860, C>A. VCF-style: chr1-181719860-C-A. GRCh37 (hg19) VCF-style: chr1-181688996-C-A.
Other names: c.1748C>A, p.Thr583Asn (NM_000721.4, NM_001205294.2); short protein forms T583N.
Identifiers: ClinVar variation 4540169 (VCV004540169.1).
Genomic context (GRCh38, chr1:181,719,860, plus strand): 5'-GTACGTCTTTTGGAATCAGTGTCTTGCGAGCCCTCCGGCTTCTAAGAATATTTAAAATAA[C>A]CAAGTAAGTGATCAGAATTTGGACTTTTCCCAATGTCTTTGAGAGTAGAACCTTTTTTCT-3'
Protein context (NP_001192222.1, residues 573-593): ALRLLRIFKI[Thr583Asn]KYWASLRNLV

ClinVar aggregate classification (germline): Uncertain significance (1 of 4 stars; one submission).

Submission:

GeneDx
Classification: Uncertain significance. Last evaluated: 2025-06-25. Review status: criteria provided, single submitter. Criteria: GeneDx Variant Classification Process June 2021. Collection method: clinical testing. Allele origin: germline. Affected: yes.
Comment: Not observed at significant frequency in large population cohorts (gnomAD); In silico analysis supports that this missense variant has a deleterious effect on protein structure/function; Has not been previously published as pathogenic or benign to our knowledge